The following is an entry in ClinVar:

NM_015087.5(SPART):c.1655T>G (p.Val552Gly)

Gene: SPART (spartin; minus strand). Cytogenetic location: 13q13.3.
Variant type: single nucleotide variant.
Coding change: c.1655T>G on transcript NM_015087.5 (MANE Select); coding-DNA position 1655, T replaced by G.
Protein change: p.Val552Gly; replaces valine 552 with glycine.
Molecular consequence: missense variant.
Genome position (GRCh38, 1-based): chr13:36,312,223, A>C on the plus strand (T>G on the coding strand, the complement: SPART is on the minus strand). VCF-style: chr13-36312223-A-C. GRCh37 (hg19) VCF-style: chr13-36886360-A-C.
Other names: c.1655T>G, p.Val552Gly (NM_001142294.2, NM_001142295.2, NM_001142296.2); short protein forms V552G.
Identifiers: ClinVar variation 641719 (VCV000641719.51), dbSNP rs202118286, ClinGen allele CA6949323.

ClinVar aggregate classification (germline): Uncertain significance. Review status: criteria provided, multiple submitters, no conflicts (2 of 4 stars). 4 submissions from 4 submitters: Uncertain significance (4). Last evaluated 2025-11-23.

Conditions:
Hereditary spastic paraplegia. Also called: Familial spastic paraparesis. Identifiers: Orphanet 685, MedGen C0037773, MONDO:0019064. Disease mechanism: loss of function.
Inborn genetic diseases. Identifiers: MedGen C0950123, MeSH D030342.

Allele frequency attached by ClinVar (database versions not stated): ExAC 0.00002; gnomAD exomes 0.00002; TOPMed 0.00002; gnomAD 0.00003.
gnomAD v4.1: 40 of 1,614,048 alleles (0.0025%); highest among the groups gnomAD compares: Admixed American, 0.0033%; no homozygotes.

Submissions (4):

Labcorp Genetics (formerly Invitae), Labcorp
Classification: Uncertain significance. Last evaluated: 2025-11-23. Review status: criteria provided, single submitter. Criteria: Invitae Variant Classification Sherloc (09022015). Collection method: clinical testing. Allele origin: germline.
Comment: This sequence change replaces valine, which is neutral and non-polar, with glycine, which is neutral and non-polar, at codon 552 of the SPART protein (p.Val552Gly). This variant is present in population databases (rs202118286, gnomAD 0.005%). This variant has not been reported in the literature in individuals affected with SPART-related conditions. ClinVar contains an entry for this variant (Variation ID: 641719). Invitae Evidence Modeling of protein sequence and biophysical properties (such as structural, functional, and spatial information, amino acid conservation, physicochemical variation, residue mobility, and thermodynamic stability) indicates that this missense variant is not expected to disrupt SPART protein function with a negative predictive value of 80%. In summary, the available evidence is currently insufficient to determine the role of this variant in disease. Therefore, it has been classified as a Variant of Uncertain Significance.

Ambry Genetics
Classification: Uncertain significance for Inborn genetic diseases. Last evaluated: 2022-01-06. Review status: criteria provided, single submitter. Criteria: Ambry Variant Classification Scheme 2023. Collection method: clinical testing. Allele origin: germline.

CeGaT Center for Human Genetics Tuebingen
Classification: Uncertain significance. Last evaluated: 2019-08-01. Review status: criteria provided, single submitter. Criteria: CeGaT Center For Human Genetics Tuebingen Variant Classification Criteria Version 2. Collection method: clinical testing. Allele origin: germline. Affected: yes. Observed: 3 variant alleles.

Genome Diagnostics Laboratory, The Hospital for Sick Children
Classification: Uncertain significance for Hereditary spastic paraplegia. Last evaluated: 2018-03-02. Review status: criteria provided, single submitter. Criteria: ACMG Guidelines, 2015. Collection method: clinical testing. Allele origin: germline. Affected: yes.